The following is an entry in ClinVar:

ClinVar aggregate classification (germline): Uncertain significance. Review status: criteria provided, multiple submitters, no conflicts (2 of 4 stars). 2 submissions from 2 submitters: Uncertain significance (2). Last evaluated 2025-08-01.

Conditions:
Inborn genetic diseases. Identifiers: MedGen C0950123, MeSH D030342.

Allele frequency attached by ClinVar (database versions not stated): gnomAD exomes below 0.00001 and 0.00001; TOPMed below 0.00001; ExAC 0.00001.
gnomAD v4.1: 2 of 1,613,834 alleles (0.00012%); highest among the groups gnomAD compares: Admixed American, 0.0017%; no homozygotes.

Submissions (2):

Ambry Genetics
Classification: Uncertain significance for Inborn genetic diseases. Last evaluated: 2025-08-01. Review status: criteria provided, single submitter. Criteria: Ambry Variant Classification Scheme 2023. Collection method: clinical testing. Allele origin: germline.

GeneDx
Classification: Uncertain significance. Last evaluated: 2021-04-09. Review status: criteria provided, single submitter. Criteria: GeneDx Variant Classification Process June 2021. Collection method: clinical testing. Allele origin: germline. Affected: yes.
Comment: Not observed at a significant frequency in large population cohorts (Lek et al., 2016); In silico analysis supports that this missense variant does not alter protein structure/function; Has not been previously published as pathogenic or benign to our knowledge

NM_021942.6(TRAPPC11):c.3217G>A (p.Glu1073Lys)

Gene: TRAPPC11 (trafficking protein particle complex subunit 11; plus strand). Cytogenetic location: 4q35.1.
Variant type: single nucleotide variant.
Coding change: c.3217G>A on transcript NM_021942.6 (MANE Select); coding-DNA position 3217, G replaced by A.
Protein change: p.Glu1073Lys; replaces glutamic acid 1073 with lysine.
Molecular consequence: missense variant. On other transcripts: intron variant (1).
Genome position (GRCh38, 1-based): chr4:183,708,434, G>A. VCF-style: chr4-183708434-G-A. GRCh37 (hg19) VCF-style: chr4-184629587-G-A.
Other names: c.3199+18G>A (NM_199053.3); c.3217G>A (NM_021942.4); short protein forms E1073K.
Identifiers: ClinVar variation 1314633 (VCV001314633.3), dbSNP rs760646935, ClinGen allele CA3152483.